The following is an entry in ClinVar:

ClinVar aggregate classification (germline): Likely pathogenic. Review status: criteria provided, single submitter (1 of 4 stars). 2 submissions from 2 submitters: Likely pathogenic (1). 1 of the submissions does not count toward it. Last evaluated 2023-03-22.

Conditions:
Fanconi anemia (FA). Also called: Fanconi's anemia. Identifiers: Orphanet 84, MedGen C0015625, MeSH D005199, MONDO:0019391.

Submissions (2):

Labcorp Genetics (formerly Invitae), Labcorp
Classification: Likely pathogenic for Fanconi anemia. Last evaluated: 2023-03-22. Review status: criteria provided, single submitter. Criteria: Invitae Variant Classification Sherloc (09022015). Collection method: clinical testing. Allele origin: germline.
Comment: This sequence change affects a donor splice site in intron 10 of the FANCG gene. It is expected to disrupt RNA splicing. Variants that disrupt the donor or acceptor splice site typically lead to a loss of protein function (PMID: 16199547), and loss-of-function variants in FANCG are known to be pathogenic (PMID: 12552564). This variant is not present in population databases (gnomAD no frequency). Disruption of this splice site has been observed in individual(s) with Fanconi anemia (PMID: 28717661). ClinVar contains an entry for this variant (Variation ID: 929697). Algorithms developed to predict the effect of sequence changes on RNA splicing suggest that this variant may disrupt the consensus splice site. In summary, the currently available evidence indicates that the variant is pathogenic, but additional data are needed to prove that conclusively. Therefore, this variant has been classified as Likely Pathogenic.

Leiden Open Variation Database
Classification: Uncertain significance. Last evaluated: 2020-02-28. Review status: no assertion criteria provided. Collection method: curation. Allele origin: germline. Affected: yes. Not counted in ClinVar's aggregate classification.
Comment: Curator: Arleen D. Auerbach. Submitter to LOVD: Arleen D. Auerbach.

Literature cited by the submitters: PubMed 16199547 (cited by Labcorp Genetics (formerly Invitae), Labcorp); PubMed 12552564 (cited by Labcorp Genetics (formerly Invitae), Labcorp); PubMed 28717661 (cited by Labcorp Genetics (formerly Invitae), Labcorp).

NM_004629.2(FANCG):c.1433+1G>A

Gene: FANCG (FA complementation group G; minus strand). Cytogenetic location: 9p13.3.
Variant type: single nucleotide variant.
Coding change: c.1433+1G>A on transcript NM_004629.2 (MANE Select); the canonical splice donor site of the intron after coding-DNA position 1433, G replaced by A.
Molecular consequence: splice donor variant.
Genome position (GRCh38, 1-based): chr9:35,075,464, C>T on the plus strand (G>A on the coding strand, the complement: FANCG is on the minus strand). VCF-style: chr9-35075464-C-T. GRCh37 (hg19) VCF-style: chr9-35075461-C-T.
Identifiers: ClinVar variation 929697 (VCV000929697.9), dbSNP rs1829065047, ClinGen allele CA373306406.